The following is an entry in ClinVar:

NM_016628.5(WAC):c.1864C>T (p.Arg622Ter)

Gene: WAC (WW domain containing adaptor with coiled-coil; plus strand). Cytogenetic location: 10p12.1.
Variant type: single nucleotide variant.
Coding change: c.1864C>T on transcript NM_016628.5 (MANE Select); coding-DNA position 1864, C replaced by T.
Protein change: p.Arg622Ter; replaces arginine 622 with a stop codon.
Molecular consequence: nonsense.
Genome position (GRCh38, 1-based): chr10:28,617,774, C>T. VCF-style: chr10-28617774-C-T. GRCh37 (hg19) VCF-style: chr10-28906703-C-T.
Other names: c.1729C>T, p.Arg577Ter (NM_100264.3); c.1555C>T, p.Arg519Ter (NM_100486.4); short protein forms R519*, R577*, R622*.
Identifiers: ClinVar variation 1723734 (VCV001723734.4), dbSNP rs774496658, ClinGen allele CA376406332.

ClinVar aggregate classification (germline): Pathogenic/Likely pathogenic. Review status: criteria provided, multiple submitters, no conflicts (2 of 4 stars). 3 submissions from 3 submitters: Pathogenic (2); Likely pathogenic (1). Last evaluated 2024-09-29.

Conditions:
DeSanto-Shinawi syndrome due to WAC point mutation (DESSH). Also called: WAC-Related Intellectual Disability; DEVELOPMENTAL DELAY, BEHAVIORAL ABNORMALITIES, FACIAL DYSMORPHISM, AND OCULAR ABNORMALITIES; Facial dysmorphism-developmental delay-behavioral abnormalities syndrome due to WAC point mutation. Identifiers: Orphanet 284169, Orphanet 466950, MedGen C5681129, MONDO:0014741, OMIM 616708.

Submissions (3):

3billion
Classification: Likely pathogenic for DeSanto-Shinawi syndrome due to WAC point mutation. Last evaluated: 2024-09-29. Review status: criteria provided, single submitter. Criteria: ACMG Guidelines, 2015. Collection method: clinical testing. Allele origin: germline. Affected: yes.
Comment: The variant is not observed in the gnomAD v4.1.0 dataset. Predicted Consequence/Location: Stop-gained (nonsense): predicted to result in a loss or disruption of normal protein function through protein truncation. The predicted truncated protein may be shortened by less than 10%. The variant has been reported at least twice as pathogenic without evidence for the classification (ClinVar ID: VCV001723734 /PMID: 33004838). Therefore, this variant is classified as Likely pathogenic according to the recommendation of ACMG/AMP guideline.

Institute of Medical Genetics and Applied Genomics, University Hospital Tübingen
Classification: Pathogenic for DeSanto-Shinawi syndrome due to WAC point mutation. Last evaluated: 2024-02-01. Review status: criteria provided, single submitter. Criteria: ACMG Guidelines, 2015. Collection method: clinical testing. Allele origin: germline. Inheritance: Autosomal dominant inheritance. Affected: yes.

GeneDx
Classification: Pathogenic. Last evaluated: 2022-11-09. Review status: criteria provided, single submitter. Criteria: GeneDx Variant Classification Process June 2021. Collection method: clinical testing. Allele origin: germline. Affected: yes.
Comment: Observed in siblings with Desanto-Shinawi syndrome, including childhood onset seizures from sleep, language delay, macrocephaly, bitemporal hirsutism, and other dysmorphic features; parents were negative for the variant, thus germ line mosiaicism is suspected (Alawadhi et al., 2020); Nonsense variant predicted to result in protein truncation, as the last 26 amino acids are lost, and other loss-of-function variants have been reported downstream in HGMD; Not observed at significant frequency in large population cohorts (gnomAD); This variant is associated with the following publications: (PMID: 33387902, 33004838, Alawadhi2020[abstract])

Literature cited by the submitters: PubMed 33004838 (cited by 3billion).